The following is an entry in ClinVar:

ClinVar aggregate classification (germline): Likely benign. Review status: criteria provided, multiple submitters, no conflicts (2 of 4 stars). 3 submissions from 3 submitters: Likely benign (3). Last evaluated 2026-06-01.

Allele frequency attached by ClinVar (database versions not stated): TOPMed 0.00030; ESP Exome Variant Server 0.00031; gnomAD 0.00038 and 0.00040; gnomAD exomes 0.00050 and 0.00053; ExAC 0.00065.
gnomAD v4.1: 811 of 1,601,818 alleles (0.051%); highest among the groups gnomAD compares: Non-Finnish European, 0.057%; 1 homozygote.

Submissions (3):

CeGaT Center for Human Genetics Tuebingen
Classification: Likely benign. Last evaluated: 2026-06-01. Review status: criteria provided, single submitter. Criteria: CeGaT Center For Human Genetics Tuebingen Variant Classification Criteria Version 2. Collection method: clinical testing. Allele origin: germline. Affected: yes. Observed: 5 variant alleles.
Comment: RUSC2: BP4, BP7

Labcorp Genetics (formerly Invitae), Labcorp
Classification: Likely benign. Last evaluated: 2026-01-12. Review status: criteria provided, single submitter. Criteria: Invitae Variant Classification Sherloc (09022015). Collection method: clinical testing. Allele origin: germline.

Blueprint Genetics
Classification: Likely benign. Last evaluated: 2024-11-06. Review status: criteria provided, single submitter. Criteria: ACMG Guidelines, 2015. Collection method: clinical testing. Allele origin: germline.

NM_014806.5(RUSC2):c.246C>T (p.Asp82=)

Gene: RUSC2 (RUN and SH3 domain containing 2; plus strand). Cytogenetic location: 9p13.3.
Variant type: single nucleotide variant.
Coding change: c.246C>T on transcript NM_014806.5 (MANE Select); coding-DNA position 246, C replaced by T.
Protein change: p.Asp82=; no amino-acid change (aspartic acid 82 retained).
Molecular consequence: synonymous variant. On other transcripts: non-coding transcript variant (1), intron variant (1).
Genome position (GRCh38, 1-based): chr9:35,546,767, C>T. VCF-style: chr9-35546767-C-T. GRCh37 (hg19) VCF-style: chr9-35546764-C-T.
Other names: c.246C>T, p.Asp82= (NM_001135999.2); c.-620-8293C>T (NM_001330740.2).
Identifiers: ClinVar variation 1590746 (VCV001590746.32), dbSNP rs146775798, ClinGen allele CA5043426.